The following is an entry in ClinVar:

NM_001348800.3(ZBTB20):c.695T>C (p.Leu232Pro)

Gene: ZBTB20 (zinc finger and BTB domain containing 20; minus strand). Cytogenetic location: 3q13.31.
Variant type: single nucleotide variant.
Coding change: c.695T>C on transcript NM_001348800.3 (MANE Select); coding-DNA position 695, T replaced by C.
Protein change: p.Leu232Pro; replaces leucine 232 with proline.
Molecular consequence: missense variant.
Genome position (GRCh38, 1-based): chr3:114,351,383, A>G on the plus strand (T>C on the coding strand, the complement: ZBTB20 is on the minus strand). VCF-style: chr3-114351383-A-G. GRCh37 (hg19) VCF-style: chr3-114070230-A-G.
Other names: c.695T>C, p.Leu232Pro (NM_001164342.2, NM_001348803.3, NM_001393393.1 and 1 more transcripts); c.476T>C, p.Leu159Pro (NM_001164343.2, NM_001164344.4, NM_001164345.4 and 9 more transcripts); short protein forms L159P, L232P.
Identifiers: ClinVar variation 4777057 (VCV004777057.1).

ClinVar aggregate classification (germline): Uncertain significance (1 of 4 stars; one submission).

gnomAD v4.1: 1 of 1,611,796 alleles (0.000062%); no homozygotes.

Submission:

Labcorp Genetics (formerly Invitae), Labcorp
Classification: Uncertain significance. Last evaluated: 2025-06-14. Review status: criteria provided, single submitter. Criteria: Invitae Variant Classification Sherloc (09022015). Collection method: clinical testing. Allele origin: germline.
Comment: This sequence change replaces leucine, which is neutral and non-polar, with proline, which is neutral and non-polar, at codon 232 of the ZBTB20 protein (p.Leu232Pro). This variant is not present in population databases (gnomAD no frequency). This variant has not been reported in the literature in individuals affected with ZBTB20-related conditions. Invitae Evidence Modeling of protein sequence and biophysical properties (such as structural, functional, and spatial information, amino acid conservation, physicochemical variation, residue mobility, and thermodynamic stability) indicates that this missense variant is not expected to disrupt ZBTB20 protein function with a negative predictive value of 95%. In summary, the available evidence is currently insufficient to determine the role of this variant in disease. Therefore, it has been classified as a Variant of Uncertain Significance.